The following is an entry in ClinVar:

NM_014363.6(SACS):c.9680A>C (p.Lys3227Thr)

Gene: SACS (sacsin molecular chaperone; minus strand). Cytogenetic location: 13q12.12.
Variant type: single nucleotide variant.
Coding change: c.9680A>C on transcript NM_014363.6 (MANE Select); coding-DNA position 9680, A replaced by C.
Protein change: p.Lys3227Thr; replaces lysine 3227 with threonine.
Molecular consequence: missense variant.
Genome position (GRCh38, 1-based): chr13:23,334,196, T>G on the plus strand (A>C on the coding strand, the complement: SACS is on the minus strand). VCF-style: chr13-23334196-T-G. GRCh37 (hg19) VCF-style: chr13-23908335-T-G.
Other names: c.9239A>C, p.Lys3080Thr (NM_001278055.2); c.9680A>C (NM_014363.5); short protein forms K3227T, K3080T.
Identifiers: ClinVar variation 586447 (VCV000586447.8), dbSNP rs765635417, ClinGen allele CA6910580.

ClinVar aggregate classification (germline): Conflicting classifications of pathogenicity. Review status: criteria provided, conflicting classifications (1 of 4 stars). 4 submissions from 4 submitters: Uncertain significance (2); Likely benign (1). 1 of the submissions does not count toward it. Last evaluated 2026-02-05.

Conditions:
SACS-related disorder. Also called: SACS-related condition.
Charlevoix-Saguenay spastic ataxia (SACS). Also called: AUTOSOMAL RECESSIVE SPASTIC ATAXIA OF CHARLEVOIX-SAGUENAY; SPASTIC ATAXIA 6, AUTOSOMAL RECESSIVE; Spastic ataxia of Charlevoix-Saguenay. Identifiers: Orphanet 98, MedGen C1849140, MONDO:0010041, OMIM 270550.
Spastic paraplegia. Identifiers: MedGen C0037772, HP:0001258.

Allele frequency attached by ClinVar (database versions not stated): ExAC 0.00001; gnomAD 0.00001; gnomAD exomes 0.00002; TOPMed 0.00002.
gnomAD v4.1: 60 of 1,613,776 alleles (0.0037%); highest among the groups gnomAD compares: Non-Finnish European, 0.0048%; no homozygotes.

Submissions (4):

PreventionGenetics, part of Exact Sciences
Classification: Uncertain significance for SACS-related condition. Last evaluated: 2026-02-05. Review status: criteria provided, single submitter. Criteria: ACMG Guidelines, 2015. Collection method: clinical testing. Allele origin: germline.
Comment: The SACS c.9680A>C variant is predicted to result in the amino acid substitution p.Lys3227Thr. To our knowledge, this variant has not been reported in the literature. This variant is reported in 0.0035% of alleles in individuals of European (Non-Finnish) descent in gnomAD. At this time, the clinical significance of this variant is uncertain due to the absence of conclusive functional and genetic evidence.

Labcorp Genetics (formerly Invitae), Labcorp
Classification: Likely benign for Spastic paraplegia. Last evaluated: 2023-12-30. Review status: criteria provided, single submitter. Criteria: Invitae Variant Classification Sherloc (09022015). Collection method: clinical testing. Allele origin: germline.

Athena Diagnostics
Classification: Uncertain significance. Last evaluated: 2017-12-29. Review status: criteria provided, single submitter. Criteria: Athena Diagnostics Criteria. Collection method: clinical testing. Allele origin: germline.

Natera, Inc.
Classification: Uncertain significance for Charlevoix-Saguenay type spastic ataxia. Last evaluated: 2019-11-11. Review status: no assertion criteria provided. Collection method: clinical testing. Allele origin: germline. Not counted in ClinVar's aggregate classification.